The following is an entry in ClinVar:

ClinVar aggregate classification (germline): Uncertain significance (1 of 4 stars; one submission).

Conditions:
Neuropathy, hereditary sensory, type 2C. Also called: KIF1A-Related HSAN2 (HSAN2C); Hereditary sensory and autonomic neuropathy type IIC. Identifiers: Orphanet 970, MedGen C3280168, MONDO:0013634, OMIM 614213.
Hereditary spastic paraplegia 30. Identifiers: Orphanet 101010, MedGen C5235139, MONDO:0012476.
Intellectual disability, autosomal dominant 9 (NESCAVS). Also called: KIF1A-Related Neurodevelopmental Disorder; NESCAV SYNDROME. Identifiers: Orphanet 662367, MedGen C5393830, MONDO:0013656, OMIM 614255.

Submission:

Labcorp Genetics (formerly Invitae), Labcorp
Classification: Uncertain significance for Hereditary spastic paraplegia 30; Neuropathy, hereditary sensory, type 2C; Intellectual disability, autosomal dominant 9. Last evaluated: 2024-10-23. Review status: criteria provided, single submitter. Criteria: Invitae Variant Classification Sherloc (09022015). Collection method: clinical testing. Allele origin: germline.
Comment: This sequence change replaces arginine, which is basic and polar, with glycine, which is neutral and non-polar, at codon 869 of the KIF1A protein (p.Arg869Gly). This variant is not present in population databases (gnomAD no frequency). This variant has not been reported in the literature in individuals affected with KIF1A-related conditions. Invitae Evidence Modeling of protein sequence and biophysical properties (such as structural, functional, and spatial information, amino acid conservation, physicochemical variation, residue mobility, and thermodynamic stability) has been performed for this missense variant. However, the output from this modeling did not meet the statistical confidence thresholds required to predict the impact of this variant on KIF1A protein function. In summary, the available evidence is currently insufficient to determine the role of this variant in disease. Therefore, it has been classified as a Variant of Uncertain Significance.

NM_001244008.2(KIF1A):c.2908C>G (p.Arg970Gly)

Gene: KIF1A (kinesin family member 1A; minus strand). Cytogenetic location: 2q37.3.
Variant type: single nucleotide variant.
Coding change: c.2908C>G on transcript NM_001244008.2 (MANE Select); coding-DNA position 2908, C replaced by G.
Protein change: p.Arg970Gly; replaces arginine 970 with glycine.
Molecular consequence: missense variant.
Genome position (GRCh38, 1-based): chr2:240,750,498, G>C on the plus strand (C>G on the coding strand, the complement: KIF1A is on the minus strand). VCF-style: chr2-240750498-G-C. GRCh37 (hg19) VCF-style: chr2-241689915-G-C.
Other names: c.2632C>G, p.Arg878Gly (NM_001320705.2, NM_001330289.2, NM_001379638.1); c.2707C>G, p.Arg903Gly (NM_001330290.2, NM_001379634.1, NM_001379635.1 and 1 more transcripts); c.2983C>G, p.Arg995Gly (NM_001379631.1); c.2857C>G, p.Arg953Gly (NM_001379632.1); c.2881C>G, p.Arg961Gly (NM_001379633.1, NM_001379642.1, NM_001379645.1); c.2605C>G, p.Arg869Gly (NM_001379636.1, NM_001379639.1, NM_001379640.1 and 6 more transcripts); c.2680C>G, p.Arg894Gly (NM_001379637.1, NM_001379648.1); short protein forms R869G, R878G, R894G, R903G, R953G, R961G, R970G, R995G.
Identifiers: ClinVar variation 3753706 (VCV003753706.2).